The following is an entry in ClinVar:

ClinVar aggregate classification (germline): Uncertain significance. Review status: criteria provided, multiple submitters, no conflicts (2 of 4 stars). 5 submissions from 5 submitters: Uncertain significance (3). 2 of the submissions do not count toward it. Last evaluated 2025-02-27.

Conditions:
Cardiovascular phenotype. Identifiers: MedGen CN230736.
Brugada syndrome 4 (BRGDA4). Identifiers: Orphanet 130, MedGen C2678477, MONDO:0012743, OMIM 611876.

Allele frequency attached by ClinVar (database versions not stated): ExAC 0.00001; gnomAD exomes 0.00001 and 0.00002; gnomAD 0.00002; TOPMed 0.00002.
gnomAD v4.1: 24 of 1,613,624 alleles (0.0015%); highest among the groups gnomAD compares: African/African-American, 0.0027%; no homozygotes.

Submissions (5):

Ambry Genetics
Classification: Uncertain significance for Cardiovascular phenotype. Last evaluated: 2025-02-27. Review status: criteria provided, single submitter. Criteria: Ambry Variant Classification Scheme 2023. Collection method: clinical testing. Allele origin: germline.
Comment: The p.A321T variant (also known as c.961G>A), located in coding exon 10 of the CACNB2 gene, results from a G to A substitution at nucleotide position 961. The alanine at codon 321 is replaced by threonine, an amino acid with similar properties. This amino acid position is highly conserved in available vertebrate species. In addition, the in silico prediction for this alteration is inconclusive. The evidence for this gene-disease relationship is limited; therefore, the clinical significance of this alteration is unclear.

Labcorp Genetics (formerly Invitae), Labcorp
Classification: Uncertain significance for Brugada syndrome 4. Last evaluated: 2022-11-18. Review status: criteria provided, single submitter. Criteria: Invitae Variant Classification Sherloc (09022015). Collection method: clinical testing. Allele origin: germline.
Comment: In summary, the available evidence is currently insufficient to determine the role of this variant in disease. Therefore, it has been classified as a Variant of Uncertain Significance. Advanced modeling of protein sequence and biophysical properties (such as structural, functional, and spatial information, amino acid conservation, physicochemical variation, residue mobility, and thermodynamic stability) performed at Invitae indicates that this missense variant is not expected to disrupt CACNB2 protein function. ClinVar contains an entry for this variant (Variation ID: 190735). This missense change has been observed in individual(s) with clinical features of arrhythmogenic cardiomyopathy and/or unknown arrhythmia (PMID: 30847666). This variant is present in population databases (rs552868927, gnomAD 0.004%). This sequence change replaces alanine, which is neutral and non-polar, with threonine, which is neutral and polar, at codon 321 of the CACNB2 protein (p.Ala321Thr).

GeneDx
Classification: Uncertain significance. Last evaluated: 2014-11-12. Review status: criteria provided, single submitter. Criteria: GeneDx Variant Classification (06012015). Collection method: clinical testing. Allele origin: germline. Affected: yes.
Comment: p.Ala320Thr (GCG>ACG): c.958 G>A in exon 10 of the CACNB2 gene (NM_000724.3). A variant of unknown significance has been identified in the CACNB2 gene. The A320T variant has not been published as a mutation, nor has it been reported as a benign polymorphism to our knowledge. The A320T variant was not observed in approximately 6,500 individuals of European and African American ancestry in the NHLBI Exome Sequencing Project, indicating it is not a common benign variant in these populations. The A320T variant is a non-conservative amino acid substitution, which is likely to impact secondary protein structure as these residues differ in polarity, charge, size and/or other properties. This substitution occurs at a position that is conserved across species. In silico analysis predicts this variant is probably damaging to the protein structure/function. However, missense mutations in nearby residues have not been reported indicating this region of the protein may tolerate change. Therefore, based on the currently available information, it is unclear whether this variant is a pathogenic mutation or a rare benign variant.The variant is found in BRUGADA panel(s).

Clinical Genetics, Academic Medical Center
Classification: Uncertain significance. Review status: no assertion criteria provided. Collection method: clinical testing. Allele origin: germline. Affected: yes. Study: VKGL Data-share Consensus. Not counted in ClinVar's aggregate classification.

Joint Genome Diagnostic Labs from Nijmegen and Maastricht, Radboudumc and MUMC+
Classification: Uncertain significance. Review status: no assertion criteria provided. Collection method: clinical testing. Allele origin: germline. Affected: yes. Study: VKGL Data-share Consensus. Not counted in ClinVar's aggregate classification.

Literature cited by the submitters: PubMed 30847666 (cited by Labcorp Genetics (formerly Invitae), Labcorp).

NM_201596.3(CACNB2):c.1123G>A (p.Ala375Thr)

Gene: CACNB2 (calcium voltage-gated channel auxiliary subunit beta 2; plus strand). Cytogenetic location: 10p12.31.
Variant type: single nucleotide variant.
Coding change: c.1123G>A on transcript NM_201596.3 (MANE Select); coding-DNA position 1123, G replaced by A.
Protein change: p.Ala375Thr; replaces alanine 375 with threonine.
Molecular consequence: missense variant.
Genome position (GRCh38, 1-based): chr10:18,534,144, G>A. VCF-style: chr10-18534144-G-A. GRCh37 (hg19) VCF-style: chr10-18823073-G-A.
Other names: p.A320T:GCG>ACG; c.958G>A, p.Ala320Thr (NM_000724.4); c.925G>A, p.Ala309Thr (NM_001167945.2); c.844G>A, p.Ala282Thr (NM_001330060.2); c.979G>A, p.Ala327Thr (NM_201570.3); c.1039G>A, p.Ala347Thr (NM_201571.4); c.967G>A, p.Ala323Thr (NM_201572.4); c.961G>A, p.Ala321Thr (NM_201590.3); and 2 more; short protein forms A320T, A321T, A375T, A309T, A323T, A327T, A347T, A282T.
Identifiers: ClinVar variation 190735 (VCV000190735.13), dbSNP rs552868927, ClinGen allele CA301879.